The following is an entry in ClinVar:

ClinVar aggregate classification (germline): Uncertain significance. Review status: criteria provided, multiple submitters, no conflicts (2 of 4 stars). 4 submissions from 4 submitters: Uncertain significance (4). Last evaluated 2026-02-25.

Conditions:
Familial adenomatous polyposis 1 (FAP1). Also called: POLYPOSIS, ADENOMATOUS INTESTINAL; FAMILIAL ADENOMATOUS POLYPOSIS 1, ATTENUATED. Identifiers: MedGen C2713442, MONDO:0021056, OMIM 175100. Disease mechanism: loss of function.
Hereditary cancer-predisposing syndrome. Also called: Hereditary neoplastic syndrome; Neoplastic Syndromes, Hereditary; Hereditary Cancer Syndrome; Tumor predisposition. Identifiers: Orphanet 140162, MedGen C0027672, MeSH D009386, MONDO:0015356.

Allele frequency attached by ClinVar (database versions not stated): gnomAD exomes below 0.00001.
gnomAD v4.1: 2 of 1,612,278 alleles (0.00012%); highest among the groups gnomAD compares: Non-Finnish European, 0.00017%; no homozygotes.

Submissions (4):

Dasa
Classification: Uncertain significance. Last evaluated: 2026-02-25. Review status: criteria provided, single submitter. Criteria: DASA Assertion Criteria. Collection method: clinical testing. Allele origin: germline.
Comment: NM_001354900.2(APC):c.1A>G (p.Met1?) is a start-loss variant predicted to alter the translation initiation codon and impair normal protein translation. This variant is rare in population databases. The currently available literature and clinical evidence are not sufficient to establish a definitive association between this variant and the reported condition. Therefore, this variant is classified as a variant of uncertain significance.

Color Diagnostics, LLC DBA Color Health
Classification: Uncertain significance for Hereditary cancer-predisposing syndrome. Last evaluated: 2023-04-24. Review status: criteria provided, single submitter. Criteria: ACMG Guidelines, 2015. Collection method: clinical testing. Allele origin: germline.
Comment: This missense variant replaces methionine with valine at codon 60 of the APC protein. Computational prediction suggests that this variant may not impact protein structure and function (internally defined REVEL score threshold <= 0.5, PMID: 27666373). To our knowledge, functional studies have not been reported for this variant. This variant has not been reported in individuals affected with APC-related disorders in the literature. This variant has been identified in 1/251106 chromosomes in the general population by the Genome Aggregation Database (gnomAD). The available evidence is insufficient to determine the role of this variant in disease conclusively. Therefore, this variant is classified as a Variant of Uncertain Significance.

Labcorp Genetics (formerly Invitae), Labcorp
Classification: Uncertain significance for Familial adenomatous polyposis 1. Last evaluated: 2022-10-10. Review status: criteria provided, single submitter. Criteria: Invitae Variant Classification Sherloc (09022015). Collection method: clinical testing. Allele origin: germline.
Comment: This variant has not been reported in the literature in individuals affected with APC-related conditions. ClinVar contains an entry for this variant (Variation ID: 925264). Advanced modeling of protein sequence and biophysical properties (such as structural, functional, and spatial information, amino acid conservation, physicochemical variation, residue mobility, and thermodynamic stability) performed at Invitae indicates that this missense variant is not expected to disrupt APC protein function. In summary, the available evidence is currently insufficient to determine the role of this variant in disease. Therefore, it has been classified as a Variant of Uncertain Significance. This variant is present in population databases (no rsID available, gnomAD 0.0009%). This sequence change replaces methionine, which is neutral and non-polar, with valine, which is neutral and non-polar, at codon 60 of the APC protein (p.Met60Val).

Ambry Genetics
Classification: Uncertain significance for Hereditary cancer-predisposing syndrome. Last evaluated: 2022-08-22. Review status: criteria provided, single submitter. Criteria: Ambry Variant Classification Scheme 2023. Collection method: clinical testing. Allele origin: germline.
Comment: The p.M60V variant (also known as c.178A>G), located in coding exon 2 of the APC gene, results from an A to G substitution at nucleotide position 178. The methionine at codon 60 is replaced by valine, an amino acid with highly similar properties. This amino acid position is conserved. In addition, in silico predictors for this gene do not accurately predict pathogenicity. Since supporting evidence is limited at this time, the clinical significance of this alteration remains unclear.

NM_000038.6(APC):c.178A>G (p.Met60Val)

Gene: APC (APC regulator of Wnt signaling pathway; plus strand). Cytogenetic location: 5q22.2.
Variant type: single nucleotide variant.
Coding change: c.178A>G on transcript NM_000038.6 (MANE Select); coding-DNA position 178, A replaced by G.
Protein change: p.Met60Val; replaces methionine 60 with valine.
Molecular consequence: missense variant. On other transcripts: initiator codon variant (3), 5 prime UTR variant (1).
Genome position (GRCh38, 1-based): chr5:112,766,368, A>G. VCF-style: chr5-112766368-A-G. GRCh37 (hg19) VCF-style: chr5-112102065-A-G.
Other names: c.178A>G, p.Met60Val (NM_001127510.3, NM_001354895.2, NM_001354896.2 and 2 more transcripts); c.208A>G, p.Met70Val (NM_001127511.3, NM_001354897.2, NM_001354902.2); c.103A>G, p.Met35Val (NM_001354898.2, NM_001354904.2); c.1A>G, p.Met1Val (NM_001354900.2, NM_001354901.2, NM_001354905.2); c.-858A>G (NM_001354906.2); short protein forms M35V, M1V, M60V, M70V.
Identifiers: ClinVar variation 925264 (VCV000925264.21), dbSNP rs1421856417, ClinGen allele CA16021736.